The following is an entry in ClinVar:

ClinVar aggregate classification (germline): Uncertain significance (1 of 4 stars; one submission).

Conditions:
Leigh syndrome (NULS). Also called: Leigh's necrotizing encephalopathy; Leigh's disease; Leigh Syndrome (mtDNA deletion); Leigh Disease; Subacute necrotizing encephalopathy; Necrotizing encephalopathy infantile subacute of Leigh. Identifiers: Orphanet 506, MedGen C2931891, MONDO:0009723, OMIM 256000.

Submission:

Wong Mito Lab, Molecular and Human Genetics, Baylor College of Medicine
Classification: Uncertain significance for Leigh syndrome. Last evaluated: 2019-10-17. Review status: criteria provided, single submitter. Criteria: Modified ACMG Guidelines (Unpublished). Collection method: clinical testing. Allele origin: germline.
Comment: The NC_012920.1:m.12713T>C (YP_003024036.1:p.Ile126Thr) variant in MTND5 gene is interpretated to be a Uncertain Significance variant based on the modified ACMG guidelines (unpublished). This variant meets the following evidence codes: PP6, PP7, BP4

NC_012920.1(MT-ND5):m.12713T>C (p.Ile126Thr)

Gene: MT-ND5 (mitochondrially encoded NADH dehydrogenase 5; plus strand).
Variant type: single nucleotide variant.
Genome position: chrM-12713-T-C.
Other names: short protein forms I126T.
Identifiers: ClinVar variation 693477 (VCV000693477.1), dbSNP rs1603223871, ClinGen allele CA414814506.